The following is an entry in ClinVar:

ClinVar aggregate classification (germline): Pathogenic (1 of 4 stars; one submission).

Conditions:
Bethlem myopathy 1A. Also called: Bethlem myopathy 1; Bethlem Muscular Dystrophy; MYOPATHY, BENIGN CONGENITAL, WITH CONTRACTURES. Identifiers: Orphanet 610, MedGen CN029274, MONDO:0024530, OMIM 158810.

Submission:

Labcorp Genetics (formerly Invitae), Labcorp
Classification: Pathogenic for Bethlem myopathy 1A. Last evaluated: 2022-11-08. Review status: criteria provided, single submitter. Criteria: Invitae Variant Classification Sherloc (09022015). Collection method: clinical testing. Allele origin: germline.
Comment: Algorithms developed to predict the effect of missense changes on protein structure and function are either unavailable or do not agree on the potential impact of this missense change (SIFT: "Deleterious"; PolyPhen-2: "Not Available"; Align-GVGD: "Class C0"). For these reasons, this variant has been classified as Pathogenic. This variant disrupts the triple helix domain of COL6A1. Glycine residues within the Gly-Xaa-Yaa repeats of the triple helix domain are required for the structure and stability of fibrillar collagens (PMID: 7695699, 8218237, 19344236). In COL6A1, variants at these glycine residues are significantly enriched in individuals with autosomal dominant disease (PMID: 15689448, 24038877) compared to the general population (ExAC). ClinVar contains an entry for this variant (Variation ID: 1374571). This missense change has been observed in individual(s) with clinical features of COL6A1-related conditions (Invitae). In at least one individual the variant was observed to be de novo. This variant is not present in population databases (gnomAD no frequency). This sequence change replaces glycine, which is neutral and non-polar, with cysteine, which is neutral and slightly polar, at codon 311 of the COL6A1 protein (p.Gly311Cys).

Literature cited by the submitters: PubMed 7695699; PubMed 8218237; PubMed 19344236; PubMed 15689448; PubMed 24038877.

NM_001848.3(COL6A1):c.931G>T (p.Gly311Cys)

Gene: COL6A1 (collagen type VI alpha 1 chain; plus strand). Cytogenetic location: 21q22.3.
Variant type: single nucleotide variant.
Coding change: c.931G>T on transcript NM_001848.3 (MANE Select); coding-DNA position 931, G replaced by T.
Protein change: p.Gly311Cys; replaces glycine 311 with cysteine.
Molecular consequence: missense variant.
Genome position (GRCh38, 1-based): chr21:45,990,258, G>T. VCF-style: chr21-45990258-G-T. GRCh37 (hg19) VCF-style: chr21-47410172-G-T.
Other names: short protein forms G311C.
Identifiers: ClinVar variation 1374571 (VCV001374571.6), dbSNP rs2123471915, ClinGen allele CA410522453.